The following is an entry in ClinVar:

ClinVar aggregate classification (germline): Likely benign. Review status: criteria provided, single submitter (1 of 4 stars). 2 submissions from 2 submitters: Likely benign (1). 1 of the submissions does not count toward it. Last evaluated 2023-06-30.

Conditions:
FREM2-related disorder. Also called: FREM2-related condition.

Allele frequency attached by ClinVar (database versions not stated): gnomAD exomes below 0.00001; TOPMed below 0.00001.
gnomAD v4.1: 1 of 1,613,816 alleles (0.000062%); highest among the groups gnomAD compares: Non-Finnish European, 0.000085%; no homozygotes.

Submissions (2):

Labcorp Genetics (formerly Invitae), Labcorp
Classification: Likely benign. Last evaluated: 2023-06-30. Review status: criteria provided, single submitter. Criteria: Invitae Variant Classification Sherloc (09022015). Collection method: clinical testing. Allele origin: germline.

PreventionGenetics, part of Exact Sciences
Classification: Likely benign for FREM2-related condition. Last evaluated: 2021-02-22. Review status: no assertion criteria provided. Collection method: clinical testing. Allele origin: germline. Not counted in ClinVar's aggregate classification.
Comment: This variant is classified as likely benign based on ACMG/AMP sequence variant interpretation guidelines (Richards et al. 2015 PMID: 25741868, with internal and published modifications).

NM_207361.6(FREM2):c.6078G>A (p.Val2026=)

Gene: FREM2 (FRAS1 related extracellular matrix 2; plus strand). Cytogenetic location: 13q13.3.
Variant type: single nucleotide variant.
Coding change: c.6078G>A on transcript NM_207361.6 (MANE Select); coding-DNA position 6078, G replaced by A.
Protein change: p.Val2026=; no amino-acid change (valine 2026 retained).
Molecular consequence: synonymous variant.
Genome position (GRCh38, 1-based): chr13:38,846,631, G>A. VCF-style: chr13-38846631-G-A. GRCh37 (hg19) VCF-style: chr13-39420768-G-A.
Other names: c.6078G>A (NM_207361.5).
Identifiers: ClinVar variation 2808582 (VCV002808582.5), dbSNP rs1348154384, ClinGen allele CA483445502.